The following is an entry in ClinVar:

NM_005245.4(FAT1):c.4953T>C (p.Thr1651=)

Gene: FAT1 (FAT atypical cadherin 1; minus strand). Cytogenetic location: 4q35.2.
Variant type: single nucleotide variant.
Coding change: c.4953T>C on transcript NM_005245.4 (MANE Select); coding-DNA position 4953, T replaced by C.
Protein change: p.Thr1651=; no amino-acid change (threonine 1651 retained).
Molecular consequence: synonymous variant.
Genome position (GRCh38, 1-based): chr4:186,621,633, A>G on the plus strand (T>C on the coding strand, the complement: FAT1 is on the minus strand). VCF-style: chr4-186621633-A-G. GRCh37 (hg19) VCF-style: chr4-187542787-A-G.
Identifiers: ClinVar variation 3050326 (VCV003050326.2), dbSNP rs900909165, ClinGen allele CA112157362.

ClinVar aggregate classification (germline): Likely benign (0 of 4 stars; one submission).

Conditions:
FAT1-related disorder. Also called: FAT1-related condition.

Allele frequency attached by ClinVar (database versions not stated): gnomAD 0.00003; TOPMed 0.00003; gnomAD exomes 0.00004.
gnomAD v4.1: 55 of 1,613,932 alleles (0.0034%); highest among the groups gnomAD compares: Non-Finnish European, 0.0044%; no homozygotes.

Submission:

PreventionGenetics, part of Exact Sciences
Classification: Likely benign for FAT1-related condition. Last evaluated: 2019-07-10. Review status: no assertion criteria provided. Collection method: clinical testing. Allele origin: germline.
Comment: This variant is classified as likely benign based on ACMG/AMP sequence variant interpretation guidelines (Richards et al. 2015 PMID: 25741868, with internal and published modifications).